The following is an entry in ClinVar:

NM_001004739.1(OR5L2):c.318A>G (p.Thr106=)

Gene: OR5L2 (olfactory receptor family 5 subfamily L member 2; plus strand). Cytogenetic location: 11q12.1.
Variant type: single nucleotide variant.
Coding change: c.318A>G on transcript NM_001004739.1 (MANE Select); coding-DNA position 318, A replaced by G.
Protein change: p.Thr106=; no amino-acid change (threonine 106 retained).
Molecular consequence: synonymous variant.
Genome position (GRCh38, 1-based): chr11:55,827,536, A>G. VCF-style: chr11-55827536-A-G. GRCh37 (hg19) VCF-style: chr11-55595012-A-G.
Identifiers: ClinVar variation 4873449 (VCV004873449.2).

ClinVar aggregate classification (germline): Likely benign (1 of 4 stars; one submission).

Submission:

CeGaT Center for Human Genetics Tuebingen
Classification: Likely benign. Last evaluated: 2026-09-01. Review status: criteria provided, single submitter. Criteria: CeGaT Center For Human Genetics Tuebingen Variant Classification Criteria Version 2. Collection method: clinical testing. Allele origin: germline. Affected: yes. Observed: 3 variant alleles.
Comment: OR5L2: BP4, BP7